The following is an entry in ClinVar:

ClinVar aggregate classification (germline): Pathogenic. Review status: criteria provided, multiple submitters, no conflicts (2 of 4 stars). 2 submissions from 2 submitters: Pathogenic (2). Last evaluated 2026-05-28.

Conditions:
Cardiovascular phenotype. Identifiers: MedGen CN230736.
Hereditary cancer-predisposing syndrome. Also called: Hereditary Cancer Syndrome; Hereditary neoplastic syndrome; Neoplastic Syndromes, Hereditary; Tumor predisposition. Identifiers: Orphanet 140162, MedGen C0027672, MeSH D009386, MONDO:0015356.

gnomAD v4.1: 1 of 1,613,440 alleles (0.000062%); highest among the groups gnomAD compares: Non-Finnish European, 0.000085%; no homozygotes.

Submissions (2):

Ambry Genetics
Classification: Pathogenic for Cardiovascular phenotype; Hereditary cancer-predisposing syndrome. Last evaluated: 2026-05-28. Review status: criteria provided, single submitter. Criteria: Ambry Variant Classification Scheme 2023. Collection method: clinical testing. Allele origin: germline.
Comment: The p.L742* pathogenic mutation (also known as c.2225T>A), located in coding exon 19 of the LZTR1 gene, results from a T to A substitution at nucleotide position 2225. This changes the amino acid from a leucine to a stop codon within coding exon 19. This alteration is expected to result in loss of function by premature protein truncation or nonsense-mediated mRNA decay. Loss-of-function variants in LZTR1 are related to an increased risk for schwannomas and autosomal recessive Noonan syndrome; however, such associations with autosomal dominant Noonan syndrome have not been observed (Piotrowski A et al. Nat Genet. 2014 Feb;46:182-7; Yamamoto GL et al. J Med Genet. 2015 Jun;52:413-21; Johnston JJ et al. Genet Med. 2018 10;20:1175-1185). Based on the supporting evidence, this variant is pathogenic for an increased risk of LZTR1-related schwannomatosis (SWN) and would be expected to cause autosomal recessive Noonan syndrome when present along with a second pathogenic or likely pathogenic variant on the other allele; however, the association of this variant with autosomal dominant Noonan syndrome is unlikely.

Labcorp Genetics (formerly Invitae), Labcorp
Classification: Pathogenic. Last evaluated: 2024-10-26. Review status: criteria provided, single submitter. Criteria: Invitae Variant Classification Sherloc (09022015). Collection method: clinical testing. Allele origin: germline.
Comment: This sequence change creates a premature translational stop signal (p.Leu742*) in the LZTR1 gene. It is expected to result in an absent or disrupted protein product. Loss-of-function variants in LZTR1 are known to be pathogenic (PMID: 24362817, 25335493, 25480913, 25795793, 29469822, 30368668, 30442762, 30442766, 30481304, 30859559). This variant is not present in population databases (gnomAD no frequency). This variant has not been reported in the literature in individuals affected with LZTR1-related conditions. Algorithms developed to predict the effect of sequence changes on RNA splicing suggest that this variant may create or strengthen a splice site. For these reasons, this variant has been classified as Pathogenic.

Literature cited by the submitters: PubMed 24362817 (cited by Labcorp Genetics (formerly Invitae), Labcorp); PubMed 25335493 (cited by Labcorp Genetics (formerly Invitae), Labcorp); PubMed 25480913 (cited by Labcorp Genetics (formerly Invitae), Labcorp); PubMed 25795793 (cited by Labcorp Genetics (formerly Invitae), Labcorp); PubMed 29469822 (cited by Labcorp Genetics (formerly Invitae), Labcorp); PubMed 30368668 (cited by Labcorp Genetics (formerly Invitae), Labcorp); PubMed 30442762 (cited by Labcorp Genetics (formerly Invitae), Labcorp); PubMed 30442766 (cited by Labcorp Genetics (formerly Invitae), Labcorp); PubMed 30481304 (cited by Labcorp Genetics (formerly Invitae), Labcorp); PubMed 30859559 (cited by Labcorp Genetics (formerly Invitae), Labcorp).

NM_006767.4(LZTR1):c.2225T>A (p.Leu742Ter)

Gene: LZTR1 (leucine zipper like post translational regulator 1; plus strand). Cytogenetic location: 22q11.21.
Variant type: single nucleotide variant.
Coding change: c.2225T>A on transcript NM_006767.4 (MANE Select); coding-DNA position 2225, T replaced by A.
Protein change: p.Leu742Ter; replaces leucine 742 with a stop codon.
Molecular consequence: nonsense.
Genome position (GRCh38, 1-based): chr22:20,996,701, T>A. VCF-style: chr22-20996701-T-A. GRCh37 (hg19) VCF-style: chr22-21350990-T-A.
Other names: c.2225T>A (NM_006767.3); short protein forms L742*.
Identifiers: ClinVar variation 3711972 (VCV003711972.3).